The following is an entry in ClinVar:

NM_004990.4(MARS1):c.890A>C (p.Tyr297Ser)

Gene: MARS1 (methionyl-tRNA synthetase 1; plus strand). Cytogenetic location: 12q13.3.
Variant type: single nucleotide variant.
Coding change: c.890A>C on transcript NM_004990.4 (MANE Select); coding-DNA position 890, A replaced by C.
Protein change: p.Tyr297Ser; replaces tyrosine 297 with serine.
Molecular consequence: missense variant.
Genome position (GRCh38, 1-based): chr12:57,498,422, A>C. VCF-style: chr12-57498422-A-C. GRCh37 (hg19) VCF-style: chr12-57892205-A-C.
Other names: short protein forms Y297S.
Identifiers: ClinVar variation 1681711 (VCV001681711.6), dbSNP rs1876748489, ClinGen allele CA385455142.
Genomic context (GRCh38, chr12:57,498,422, plus strand): 5'-CCAAGGACAAGGAAGCGCTGAAGCGGGGCCCCCTAGCGATCACCATATTCCCTTGCAGGT[A>C]CTCTCGCCTCCGCCAGTGGAACACCCTCTATCTGTGTGGGACAGATGAGTATGGTACAGC-3'
Protein context (NP_004981.2, residues 287-307): CVLSADVFAR[Tyr297Ser]SRLRQWNTLY

ClinVar aggregate classification (germline): Uncertain significance (1 of 4 stars; one submission).

Conditions:
Severe early-onset pulmonary alveolar proteinosis due to MARS deficiency. Also called: PULMONARY ALVEOLAR PROTEINOSIS, REUNION ISLAND; Interstitial lung and liver disease. Identifiers: Orphanet 440427, MedGen C4225400, MONDO:0014206, OMIM 615486.
Charcot-Marie-Tooth disease axonal type 2U. Also called: CHARCOT-MARIE-TOOTH NEUROPATHY, TYPE 2U; CHARCOT-MARIE-TOOTH DISEASE, AXONAL, AUTOSOMAL DOMINANT, TYPE 2U. Identifiers: Orphanet 397735, MedGen C4084821, MONDO:0014566, OMIM 616280.

Submission:

Labcorp Genetics (formerly Invitae), Labcorp
Classification: Uncertain significance for Charcot-Marie-Tooth disease axonal type 2U; Severe early-onset pulmonary alveolar proteinosis due to MARS deficiency. Last evaluated: 2021-12-11. Review status: criteria provided, single submitter. Criteria: Invitae Variant Classification Sherloc (09022015). Collection method: clinical testing. Allele origin: germline.
Comment: This variant has not been reported in the literature in individuals affected with MARS-related conditions. This variant is not present in population databases (gnomAD no frequency). This sequence change replaces tyrosine, which is neutral and polar, with serine, which is neutral and polar, at codon 297 of the MARS protein (p.Tyr297Ser). Algorithms developed to predict the effect of missense changes on protein structure and function are either unavailable or do not agree on the potential impact of this missense change (SIFT: "Deleterious"; PolyPhen-2: "Probably Damaging"; Align-GVGD: "Class C0"). In summary, the available evidence is currently insufficient to determine the role of this variant in disease. Therefore, it has been classified as a Variant of Uncertain Significance.